The following is an entry in ClinVar:

ClinVar aggregate classification (germline): Uncertain significance (1 of 4 stars; one submission).

Conditions:
Early-infantile DEE. Also called: Ohtahara syndrome; Early infantile epileptic encephalopathy; Early infantile epileptic encephalopathy with suppression bursts. Identifiers: Orphanet 1934, MedGen C0393706, MONDO:0800491.

Submission:

Labcorp Genetics (formerly Invitae), Labcorp
Classification: Uncertain significance for Early-infantile DEE. Last evaluated: 2021-02-16. Review status: criteria provided, single submitter. Criteria: Invitae Variant Classification Sherloc (09022015). Collection method: clinical testing. Allele origin: germline.
Comment: In summary, the available evidence is currently insufficient to determine the role of this variant in disease. Therefore, it has been classified as a Variant of Uncertain Significance. Advanced modeling of protein sequence and biophysical properties (such as structural, functional, and spatial information, amino acid conservation, physicochemical variation, residue mobility, and thermodynamic stability) performed at Invitae indicates that this missense variant is not expected to disrupt HCN1 protein function. This variant has not been reported in the literature in individuals with HCN1-related conditions. The frequency data for this variant in the population databases is considered unreliable, as metrics indicate insufficient coverage at this position in the ExAC database. This sequence change replaces glutamic acid with glycine at codon 36 of the HCN1 protein (p.Glu36Gly). The glutamic acid residue is weakly conserved and there is a moderate physicochemical difference between glutamic acid and glycine.

NM_021072.4(HCN1):c.107A>G (p.Glu36Gly)

Gene: HCN1 (hyperpolarization activated cyclic nucleotide gated potassium channel 1; minus strand). Cytogenetic location: 5p12.
Variant type: single nucleotide variant.
Coding change: c.107A>G on transcript NM_021072.4 (MANE Select); coding-DNA position 107, A replaced by G.
Protein change: p.Glu36Gly; replaces glutamic acid 36 with glycine.
Molecular consequence: missense variant.
Genome position (GRCh38, 1-based): chr5:45,695,987, T>C on the plus strand (A>G on the coding strand, the complement: HCN1 is on the minus strand). VCF-style: chr5-45695987-T-C. GRCh37 (hg19) VCF-style: chr5-45696089-T-C.
Other names: short protein forms E36G.
Identifiers: ClinVar variation 1373030 (VCV001373030.9), dbSNP rs2112109568, ClinGen allele CA359706731.